The following is an entry in ClinVar:

ClinVar aggregate classification (germline): Benign. Review status: criteria provided, single submitter (1 of 4 stars). 2 submissions from 2 submitters: Benign (1). 1 of the submissions does not count toward it. Last evaluated 2018-09-11.

Conditions:
PTPRT-related disorder. Also called: PTPRT-related condition.

Allele frequency attached by ClinVar (database versions not stated): gnomAD exomes 0.00054 and 0.00156; ExAC 0.00195; ESP Exome Variant Server 0.00557; gnomAD 0.00586 and 0.00627; 1000 Genomes Project 0.00639; TOPMed 0.00653; 1000 Genomes Project 30x 0.00765.
gnomAD v4.1: 1,710 of 1,613,102 alleles (0.11%); highest among the groups gnomAD compares: African/African-American, 2%; 21 homozygotes.

Submissions (2):

Labcorp Genetics (formerly Invitae), Labcorp
Classification: Benign. Last evaluated: 2018-09-11. Review status: criteria provided, single submitter. Criteria: Invitae Variant Classification Sherloc (09022015). Collection method: clinical testing. Allele origin: germline.

PreventionGenetics, part of Exact Sciences
Classification: Benign for PTPRT-related condition. Last evaluated: 2019-02-22. Review status: no assertion criteria provided. Collection method: clinical testing. Allele origin: germline. Not counted in ClinVar's aggregate classification.
Comment: This variant is classified as benign based on ACMG/AMP sequence variant interpretation guidelines (Richards et al. 2015 PMID: 25741868, with internal and published modifications).

NM_007050.6(PTPRT):c.2940C>T (p.Ser980=)

Gene: PTPRT (protein tyrosine phosphatase receptor type T; minus strand). Cytogenetic location: 20q12.
Variant type: single nucleotide variant.
Coding change: c.2940C>T on transcript NM_007050.6 (MANE Select); coding-DNA position 2940, C replaced by T.
Protein change: p.Ser980=; no amino-acid change (serine 980 retained).
Molecular consequence: synonymous variant.
Genome position (GRCh38, 1-based): chr20:42,118,445, G>A on the plus strand (C>T on the coding strand, the complement: PTPRT is on the minus strand). VCF-style: chr20-42118445-G-A. GRCh37 (hg19) VCF-style: chr20-40747085-G-A.
Other names: c.2997C>T, p.Ser999= (NM_133170.4).
Identifiers: ClinVar variation 790217 (VCV000790217.5), dbSNP rs34284587, ClinGen allele CA9864073.